The following is an entry in ClinVar:

ClinVar aggregate classification (germline): Uncertain significance. Review status: criteria provided, multiple submitters, no conflicts (2 of 4 stars). 2 submissions from 2 submitters: Uncertain significance (2). Last evaluated 2025-03-22.

Conditions:
Neuroblastoma, susceptibility to, 3. Also called: ALK-Related Neuroblastic Tumor Susceptibility. Identifiers: Orphanet 635, MedGen C2751681, MONDO:0013083, OMIM 613014.
Hereditary cancer-predisposing syndrome. Also called: Hereditary Cancer Syndrome; Neoplastic Syndromes, Hereditary; Tumor predisposition; Hereditary neoplastic syndrome. Identifiers: Orphanet 140162, MedGen C0027672, MeSH D009386, MONDO:0015356.

gnomAD v4.1: 2 of 1,595,582 alleles (0.00013%); highest among the groups gnomAD compares: African/African-American, 0.0027%; no homozygotes.

Submissions (2):

Labcorp Genetics (formerly Invitae), Labcorp
Classification: Uncertain significance for Neuroblastoma, susceptibility to, 3. Last evaluated: 2025-03-22. Review status: criteria provided, single submitter. Criteria: Invitae Variant Classification Sherloc (09022015). Collection method: clinical testing. Allele origin: germline.
Comment: This sequence change replaces proline, which is neutral and non-polar, with arginine, which is basic and polar, at codon 32 of the ALK protein (p.Pro32Arg). This variant is present in population databases (rs759748510, gnomAD 0.02%). This variant has not been reported in the literature in individuals affected with ALK-related conditions. An algorithm developed to predict the effect of missense changes on protein structure and function (PolyPhen-2) suggests that this variant is likely to be tolerated. In summary, the available evidence is currently insufficient to determine the role of this variant in disease. Therefore, it has been classified as a Variant of Uncertain Significance.

Ambry Genetics
Classification: Uncertain significance for Hereditary cancer-predisposing syndrome. Last evaluated: 2024-12-31. Review status: criteria provided, single submitter. Criteria: Ambry Variant Classification Scheme 2023. Collection method: clinical testing. Allele origin: germline.
Comment: The p.P32R variant (also known as c.95C>G), located in coding exon 1 of the ALK gene, results from a C to G substitution at nucleotide position 95. The proline at codon 32 is replaced by arginine, an amino acid with dissimilar properties. This amino acid position is not well conserved in available vertebrate species. In addition, this alteration is predicted to be tolerated by in silico analysis. Based on the available evidence, the clinical significance of this variant remains unclear.

NM_004304.5(ALK):c.95C>G (p.Pro32Arg)

Gene: ALK (ALK receptor tyrosine kinase; minus strand). Cytogenetic location: 2p23.1.
Variant type: single nucleotide variant.
Coding change: c.95C>G on transcript NM_004304.5 (MANE Select); coding-DNA position 95, C replaced by G.
Protein change: p.Pro32Arg; replaces proline 32 with arginine.
Molecular consequence: missense variant.
Genome position (GRCh38, 1-based): chr2:29,920,565, G>C on the plus strand (C>G on the coding strand, the complement: ALK is on the minus strand). VCF-style: chr2-29920565-G-C. GRCh37 (hg19) VCF-style: chr2-30143431-G-C.
Other names: c.95C>G (NM_004304.4); short protein forms P32R.
Identifiers: ClinVar variation 3708618 (VCV003708618.3).